The following is an entry in ClinVar:

NM_177559.3(CSNK2A1):c.132A>G (p.Lys44=)

Gene: CSNK2A1 (casein kinase 2 alpha 1; minus strand). Cytogenetic location: 20p13.
Variant type: single nucleotide variant.
Coding change: c.132A>G on transcript NM_177559.3 (MANE Select); coding-DNA position 132, A replaced by G.
Protein change: p.Lys44=; no amino-acid change (lysine 44 retained).
Molecular consequence: synonymous variant. On other transcripts: 5 prime UTR variant (1).
Genome position (GRCh38, 1-based): chr20:505,199, T>C on the plus strand (A>G on the coding strand, the complement: CSNK2A1 is on the minus strand). VCF-style: chr20-505199-T-C. GRCh37 (hg19) VCF-style: chr20-485843-T-C.
Other names: c.132A>G, p.Lys44= (NM_001362770.2, NM_001362771.2, NM_001895.4); c.-277A>G (NM_177560.3).
Identifiers: ClinVar variation 725328 (VCV000725328.31), dbSNP rs112149740, ClinGen allele CA9724073.

ClinVar aggregate classification (germline): Benign/Likely benign. Review status: criteria provided, multiple submitters, no conflicts (2 of 4 stars). 4 submissions from 4 submitters: Benign (2); Likely benign (2). Last evaluated 2025-10-01.

Allele frequency attached by ClinVar (database versions not stated): gnomAD exomes 0.00011 and 0.00017; ExAC 0.00021; ESP Exome Variant Server 0.00077; 1000 Genomes Project 30x 0.00078; gnomAD 0.00078 and 0.00082; TOPMed 0.00086; 1000 Genomes Project 0.00100.
gnomAD v4.1: 349 of 1,613,794 alleles (0.022%); highest among the groups gnomAD compares: African/African-American, 0.33%; 3 homozygotes.

Submissions (4):

CeGaT Center for Human Genetics Tuebingen
Classification: Likely benign. Last evaluated: 2025-10-01. Review status: criteria provided, single submitter. Criteria: CeGaT Center For Human Genetics Tuebingen Variant Classification Criteria Version 2. Collection method: clinical testing. Allele origin: germline. Affected: yes. Observed: 5 variant alleles.
Comment: CSNK2A1: BP4, BP7

Blueprint Genetics
Classification: Likely benign. Last evaluated: 2024-11-22. Review status: criteria provided, single submitter. Criteria: ACMG Guidelines, 2015. Collection method: clinical testing. Allele origin: germline.

GeneDx
Classification: Benign. Last evaluated: 2020-03-30. Review status: criteria provided, single submitter. Criteria: GeneDx Variant Classification Process June 2021. Collection method: clinical testing. Allele origin: germline. Affected: yes.

Labcorp Genetics (formerly Invitae), Labcorp
Classification: Benign. Last evaluated: 2019-12-31. Review status: criteria provided, single submitter. Criteria: Invitae Variant Classification Sherloc (09022015). Collection method: clinical testing. Allele origin: germline.